The following is an entry in ClinVar:

ClinVar aggregate classification (germline): Conflicting classifications of pathogenicity. Review status: criteria provided, conflicting classifications (1 of 4 stars). 8 submissions from 8 submitters: Uncertain significance (7); Likely benign (1). Last evaluated 2026-02-17.

Conditions:
Inborn genetic diseases. Identifiers: MedGen C0950123, MeSH D030342.
Jeune thoracic dystrophy. Also called: Short-rib thoracic dysplasia; Jeune syndrome; Infantile thoracic dystrophy; Thoracic pelvic phalangeal dystrophy; Jeune's syndrome; Chondroectodermal dysplasia-like syndrome. Identifiers: Orphanet 474, MedGen C0265275, MONDO:0018770.

Allele frequency attached by ClinVar (database versions not stated): gnomAD exomes 0.00008; ExAC 0.00012; ESP Exome Variant Server 0.00033; gnomAD 0.00044 and 0.00047; TOPMed 0.00046; 1000 Genomes Project 0.00120; 1000 Genomes Project 30x 0.00125.
gnomAD v4.1: 120 of 1,613,168 alleles (0.0074%); highest among the groups gnomAD compares: African/African-American, 0.14%; 1 homozygote.

Submissions (8):

Women's Health and Genetics/Laboratory Corporation of America, LabCorp
Classification: Uncertain significance. Last evaluated: 2026-02-17. Review status: criteria provided, single submitter. Criteria: LabCorp Variant Classification Summary - May 2015. Collection method: clinical testing. Allele origin: germline.
Comment: Variant summary: DYNC2H1 c.6093T>G (p.Asp2031Glu) results in a conservative amino acid change in the encoded protein sequence. Algorithms developed to predict the effect of missense changes on protein structure and function are either unavailable or do not agree on the potential impact of this missense change. The variant allele was found at a frequency of 8.5e-05 in 248240 control chromosomes, predominantly at a frequency of 0.0013 within the African or African-American subpopulation in the gnomAD database. This frequency is not significantly higher than estimated for disease-causing variants in DYNC2H1, allowing no conclusion about variant significance. To our knowledge, no occurrence of c.6093T>G in individuals affected with DYNC2H1-related conditions and no experimental evidence demonstrating its impact on protein function have been reported. ClinVar contains an entry for this variant (Variation ID: 281777). Based on the evidence outlined above, the variant was classified as uncertain significance.

Labcorp Genetics (formerly Invitae), Labcorp
Classification: Likely benign for Jeune thoracic dystrophy. Last evaluated: 2026-01-18. Review status: criteria provided, single submitter. Criteria: Invitae Variant Classification Sherloc (09022015). Collection method: clinical testing. Allele origin: germline.

Ambry Genetics
Classification: Uncertain significance for Inborn genetic diseases. Last evaluated: 2024-08-05. Review status: criteria provided, single submitter. Criteria: Ambry Variant Classification Scheme 2023. Collection method: clinical testing. Allele origin: germline.

Blueprint Genetics
Classification: Uncertain significance. Last evaluated: 2023-09-15. Review status: criteria provided, single submitter. Criteria: ACMG Guidelines, 2015. Collection method: clinical testing. Allele origin: germline.

GeneDx
Classification: Uncertain significance. Last evaluated: 2022-04-26. Review status: criteria provided, single submitter. Criteria: GeneDx Variant Classification Process June 2021. Collection method: clinical testing. Allele origin: germline. Affected: yes.
Comment: In silico analysis supports that this missense variant has a deleterious effect on protein structure/function; Has not been previously published as pathogenic or benign to our knowledge

Genetic Services Laboratory, University of Chicago
Classification: Uncertain significance. Last evaluated: 2020-03-17. Review status: criteria provided, single submitter. Criteria: ACMG Guidelines, 2015. Collection method: clinical testing. Allele origin: germline. Affected: no.
Comment: The sequence change, c.6093T>G, in exon 38 results in an amino acid change, p.Asp2031Glu. This sequence change does not appear to have been previously described in patients with DYNC2H1-related disorders and has been described in the gnomAD database with a low population frequency of 0.14% in the African subpopulation (dbSNP rs372641908). The p.Asp2031Glu change affects a highly conserved amino acid residue located in a domain of the DYNC2H1 protein that is known to be functional. The p.Asp2031Glu substitution appears to be deleterious using several in-silico pathogenicity prediction tools (SIFT, PolyPhen2, Align GVGD, REVEL).Due to these contrasting evidences and the lack of functional studies, the clinical significance of the p.Asp2031Glu change remains unknown at this time.

ARUP Laboratories, Molecular Genetics and Genomics, ARUP Laboratories
Classification: Uncertain significance. Last evaluated: 2018-03-25. Review status: criteria provided, single submitter. Criteria: ARUP Molecular Germline Variant Investigation Process. Collection method: clinical testing. Allele origin: germline.
Comment: The DYNC2H1 c.6093T>G; p.Asp2031Glu variant (rs372641908, ClinVar variant ID 281777), to our knowledge, is not reported in the medical literature, gene specific variation databases, nor has it been previously identified by our laboratory. This variant is listed in the genome Aggregation Database (gnomAD) with an African population frequency of 0.1% (identified on 34 out of 23,996 chromosomes). The aspartic acid at position 2031 is highly conserved, considering 28 species, and computational analyses of the effects of the p.Asp2031Glu variant on protein structure and function predict a deleterious effect (SIFT: damaging, PolyPhen-2: probably damaging). Based on the available information, the clinical significance of the p.Asp2031Glu variant cannot be determined with certainty.

Eurofins Ntd Llc (ga)
Classification: Uncertain significance. Last evaluated: 2015-07-28. Review status: criteria provided, single submitter. Criteria: EGL Classification Definitions 2015. Collection method: clinical testing. Allele origin: germline. Observed: 1 variant allele, 1 heterozygote.

NM_001377.3(DYNC2H1):c.6093T>G (p.Asp2031Glu)

Gene: DYNC2H1 (dynein cytoplasmic 2 heavy chain 1; plus strand). Cytogenetic location: 11q22.3.
Variant type: single nucleotide variant.
Coding change: c.6093T>G on transcript NM_001377.3 (MANE Select); coding-DNA position 6093, T replaced by G.
Protein change: p.Asp2031Glu; replaces aspartic acid 2031 with glutamic acid.
Molecular consequence: missense variant.
Genome position (GRCh38, 1-based): chr11:103,177,774, T>G. VCF-style: chr11-103177774-T-G. GRCh37 (hg19) VCF-style: chr11-103048503-T-G.
Other names: c.6093T>G, p.Asp2031Glu (NM_001080463.2); short protein forms D2031E.
Identifiers: ClinVar variation 281777 (VCV000281777.28), dbSNP rs372641908, ClinGen allele CA6253889.